The following is an entry in ClinVar:

NM_181552.4(CUX1):c.2652C>T (p.Ser884=)

Gene: CUX1 (cut like homeobox 1; plus strand). Cytogenetic location: 7q22.1.
Variant type: single nucleotide variant.
Coding change: c.2652C>T on transcript NM_181552.4 (MANE Select); coding-DNA position 2652, C replaced by T.
Protein change: p.Ser884=; no amino-acid change (serine 884 retained).
Molecular consequence: synonymous variant. On other transcripts: intron variant (5).
Genome position (GRCh38, 1-based): chr7:102,201,949, C>T. VCF-style: chr7-102201949-C-T. GRCh37 (hg19) VCF-style: chr7-101845229-C-T.
Other names: c.2685C>T, p.Ser895= (NM_001202543.2); c.1255+6346C>T (NM_001913.5); c.1249+6346C>T (NM_181500.4); c.1117+6346C>T (NM_001202545.3); c.1207+6346C>T (NM_001202544.3); c.1138+6346C>T (NM_001202546.3).
Identifiers: ClinVar variation 2657867 (VCV002657867.24), dbSNP rs782773815, ClinGen allele CA4411117.

ClinVar aggregate classification (germline): Likely benign (1 of 4 stars; one submission).

Allele frequency attached by ClinVar (database versions not stated): gnomAD exomes below 0.00001; ExAC 0.00001.
gnomAD v4.1: 4 of 1,614,074 alleles (0.00025%); highest among the groups gnomAD compares: East Asian, 0.0045%; no homozygotes.

Submission:

CeGaT Center for Human Genetics Tuebingen
Classification: Likely benign. Last evaluated: 2023-10-01. Review status: criteria provided, single submitter. Criteria: CeGaT Center For Human Genetics Tuebingen Variant Classification Criteria Version 2. Collection method: clinical testing. Allele origin: germline. Affected: yes. Observed: 1 variant allele.
Comment: CUX1: BP4, BP7